The following is an entry in ClinVar:

ClinVar aggregate classification (germline): Benign. Review status: reviewed by expert panel (3 of 4 stars). 17 submissions from 17 submitters: Benign (1). 16 of the submissions do not count toward it. Last evaluated 2022-08-25.

Conditions:
CDKL5 disorder. Identifiers: MedGen CN296942, MONDO:0100039.
History of neurodevelopmental disorder. Identifiers: MedGen C2711754.
Angelman syndrome-like. Identifiers: MedGen CN128785.
Developmental and epileptic encephalopathy, 2 (DEE2). Also called: CDKL5 deficiency disorder; INFANTILE SPASM SYNDROME, X-LINKED 2. Identifiers: Orphanet 1934, Orphanet 3451, Orphanet 505652, MedGen C4750718, MONDO:0010396, OMIM 300672.
CDKL5-related disorder.

Allele frequency attached by ClinVar (database versions not stated): 1000 Genomes Project 30x 0.00166; ExAC 0.00408; 1000 Genomes Project 0.00132; gnomAD 0.00345; gnomAD exomes 0.00421 and 0.00448; ESP Exome Variant Server 0.00293; TOPMed 0.00333.
gnomAD v4.1: 5,343 of 1,209,458 alleles (0.44%); highest among the groups gnomAD compares: Middle Eastern, 0.91%; 21 homozygotes.

Submissions (17):

ClinGen Rett and Angelman-like Disorders Variant Curation Expert Panel
Classification: Benign for CDKL5 disorder. Last evaluated: 2022-08-25. Review status: reviewed by expert panel. Criteria: ClinGen RettAS ACMG Specifications V2. Collection method: curation. Allele origin: germline. Inheritance: X-linked inheritance.
Comment: The allele frequency of the p.His1001= variant in CDKL5 is 2.6% in Ashkenazi Jewish sub population in gnomAD, which is high enough to be classified as benign based on thresholds defined by the ClinGen Rett/Angelman-like Expert Panel for Rett/AS-like conditions (BA1). The p.His1001= variant is observed in at least 2 unaffected individuals (internal database) (BS2). In summary, the p.His1001= variant in CDKL5 is classified as benign based on the ACMG/AMP criteria (BA1, BS2).

Labcorp Genetics (formerly Invitae), Labcorp
Classification: Benign for Developmental and epileptic encephalopathy, 2; Angelman syndrome-like. Last evaluated: 2026-02-03. Review status: criteria provided, single submitter. Criteria: Invitae Variant Classification Sherloc (09022015). Collection method: clinical testing. Allele origin: germline. Not counted in ClinVar's aggregate classification.

ARUP Laboratories, Molecular Genetics and Genomics, ARUP Laboratories
Classification: Benign for Developmental and epileptic encephalopathy, 2. Last evaluated: 2025-03-20. Review status: criteria provided, single submitter. Criteria: ARUP Molecular Germline Variant Investigation Process 2024. Collection method: clinical testing. Allele origin: germline. Not counted in ClinVar's aggregate classification.

Athena Diagnostics
Classification: Benign. Last evaluated: 2025-01-30. Review status: criteria provided, single submitter. Criteria: Athena Diagnostics Criteria. Collection method: clinical testing. Allele origin: unknown. Not counted in ClinVar's aggregate classification.
Comment: The frequency of this variant in the general population is higher than would generally be expected for pathogenic variants in this gene.

Blueprint Genetics
Classification: Likely benign. Last evaluated: 2024-11-27. Review status: criteria provided, single submitter. Criteria: ACMG Guidelines, 2015. Collection method: clinical testing. Allele origin: germline. Not counted in ClinVar's aggregate classification.

Centre for Population Genomics, CPG
Classification: Benign for CDKL5 disorder. Last evaluated: 2024-09-20. Review status: criteria provided, single submitter. Criteria: McKnight et al. (Hum Mutat. 2022). Collection method: curation. Allele origin: germline. Inheritance: X-linked inheritance. Not counted in ClinVar's aggregate classification.
Comment: This variant has been collected from RettBASE and curated to current modified ACMG/AMP criteria. Based on the classification scheme defined by the ClinGen Rett/Angelman-like Expert Panel for Rett/AS-like Disorders Specifications to the ACMG/AMP Variant Interpretation Guidelines VCEP 3.0, this variant is classified as benign. At least the following criteria are met: The allele frequency of this variant in at least one population in gnomAD is higher than the 0.03% threshold defined by the ClinGen Rett/Angelman-like Expert Panel for Rett/AS-like Disorders VCEP 3.0 (BA1).

Mayo Clinic Laboratories, Mayo Clinic
Classification: Benign. Last evaluated: 2021-06-09. Review status: criteria provided, single submitter. Criteria: ACMG Guidelines, 2015. Collection method: clinical testing. Allele origin: germline. Observed: 2 variant alleles. Not counted in ClinVar's aggregate classification.

Ambry Genetics
Classification: Likely benign for History of neurodevelopmental disorder. Last evaluated: 2016-07-27. Review status: criteria provided, single submitter. Criteria: Ambry Autosomal Dominant and X-Linked criteria (10/2015). Collection method: clinical testing. Allele origin: germline. Observed: 1 variant allele. Not counted in ClinVar's aggregate classification.

CeGaT Center for Human Genetics Tuebingen
Classification: Uncertain significance. Last evaluated: 2016-06-01. Review status: criteria provided, single submitter. Criteria: CeGaT Center For Human Genetics Tuebingen Variant Classification Criteria Version 2. Collection method: clinical testing. Allele origin: germline. Affected: yes. Observed: 1 variant allele. Not counted in ClinVar's aggregate classification.

Genetic Services Laboratory, University of Chicago
Classification: Benign. Last evaluated: 2013-02-08. Review status: criteria provided, single submitter. Criteria: ACMG Guidelines, 2007. Collection method: clinical testing. Allele origin: germline. Inheritance: X-linked inheritance. Not counted in ClinVar's aggregate classification.

Eurofins Ntd Llc (ga)
Classification: Benign. Last evaluated: 2012-12-10. Review status: criteria provided, single submitter. Criteria: EGL Classification Definitions 2015. Collection method: clinical testing. Allele origin: germline. Observed: 2 variant alleles, 1 heterozygote, 1 hemizygote. Not counted in ClinVar's aggregate classification.

GeneDx
Classification: Benign. Last evaluated: 2012-03-15. Review status: criteria provided, single submitter. Criteria: GeneDx Variant Classification (06012015). Collection method: clinical testing. Allele origin: germline. Affected: yes. Not counted in ClinVar's aggregate classification.
Comment: This variant is considered likely benign or benign based on one or more of the following criteria: it is a conservative change, it occurs at a poorly conserved position in the protein, it is predicted to be benign by multiple in silico algorithms, and/or has population frequency not consistent with disease.

PreventionGenetics, part of Exact Sciences
Classification: Benign for CDKL5-related condition. Last evaluated: 2019-04-03. Review status: no assertion criteria provided. Collection method: clinical testing. Allele origin: germline. Not counted in ClinVar's aggregate classification.
Comment: This variant is classified as benign based on ACMG/AMP sequence variant interpretation guidelines (Richards et al. 2015 PMID: 25741868, with internal and published modifications).

RettBASE
Classification: Benign. Last evaluated: 2014-05-15. Review status: no assertion criteria provided. Collection method: curation. Allele origin: unknown, maternal. Observed: 14 variant alleles. Not counted in ClinVar's aggregate classification.
Comment: Silent mutation, often found in cis with c.145+17A>G and c.3084G>A (p.T1028T)

Diagnostic Laboratory, Department of Genetics, University Medical Center Groningen
Classification: Likely benign for Developmental and epileptic encephalopathy, 2. Review status: no assertion criteria provided. Collection method: clinical testing. Allele origin: germline. Affected: yes. Study: VKGL Data-share Consensus. Not counted in ClinVar's aggregate classification.

Genome Diagnostics Laboratory, University Medical Center Utrecht
Classification: Benign. Review status: no assertion criteria provided. Collection method: clinical testing. Allele origin: germline. Affected: yes. Study: VKGL Data-share Consensus. Not counted in ClinVar's aggregate classification.

Joint Genome Diagnostic Labs from Nijmegen and Maastricht, Radboudumc and MUMC+
Classification: Benign. Review status: no assertion criteria provided. Collection method: clinical testing. Allele origin: germline. Affected: yes. Study: VKGL Data-share Consensus. Not counted in ClinVar's aggregate classification.

Literature cited by the submitters: PubMed 21160487 (cited by Athena Diagnostics and RettBASE); PubMed 23064044 (cited by Athena Diagnostics); PubMed 27187038 (cited by Athena Diagnostics); PubMed 20397747 (cited by Athena Diagnostics); PubMed 15499549 (cited by Athena Diagnostics and RettBASE); PubMed 16086395 (cited by Athena Diagnostics); PubMed 16015284 (cited by Athena Diagnostics); PubMed 19241098 (cited by Athena Diagnostics and RettBASE); PubMed 20479760 (cited by RettBASE); PubMed 22867051 (cited by RettBASE).

NM_000330.4(RS1):c.184+3199G>A

Genes: CDKL5 (cyclin dependent kinase like 5; plus strand), RS1 (retinoschisin 1; minus strand). Cytogenetic location: Xp22.13.
Variant type: single nucleotide variant.
Coding change: c.184+3199G>A on transcript NM_000330.4 (MANE Select); 3199 bases into the intron after coding-DNA position 184, G replaced by A.
Molecular consequence: intron variant. On other transcripts: synonymous variant (2).
Genome position (GRCh38, 1-based): chrX:18,653,454, C>T on the plus strand (G>A on the coding strand, the complement: RS1 is on the minus strand). VCF-style: chrX-18653454-C-T. GRCh37 (hg19) VCF-style: chrX-18671574-C-T.
Other names: p.H1001H:CAC>CAT; NM_003159.2(CDKL5):c.3003C>T; p.His1001=; c.3003C>T, p.His1001= (NM_001037343.2, NM_003159.3).
Identifiers: ClinVar variation 94111 (VCV000094111.69), dbSNP rs36022183, ClinGen allele CA147631.
Genomic context (GRCh38, chrX:18,653,454, plus strand): 5'-AGCTCTGAGTGACCCCGCTGTCCTTCTGTGCTTTCCAGGGTTCTCTTTCTTCGTGAGACA[C>T]GTTATGAGGGAAGCCCTGATTCACAGGGCCCAGGTAAACCAAGCTGCGCTCCTGACATAC-3'